The following is an entry in ClinVar:

ClinVar aggregate classification (germline): Pathogenic (1 of 4 stars; one submission).

Conditions:
Deficiency of alpha-mannosidase (MANSA). Also called: Alpha-Mannosidosis; Mannosidosis, alpha-, types I and II; LYSOSOMAL ALPHA-D-MANNOSIDASE DEFICIENCY. Identifiers: Orphanet 61, MedGen C0024748, MONDO:0009561, OMIM 248500.

Submission:

Labcorp Genetics (formerly Invitae), Labcorp
Classification: Pathogenic for Deficiency of alpha-mannosidase. Last evaluated: 2023-09-10. Review status: criteria provided, single submitter. Criteria: Invitae Variant Classification Sherloc (09022015). Collection method: clinical testing. Allele origin: germline.
Comment: For these reasons, this variant has been classified as Pathogenic. Algorithms developed to predict the effect of sequence changes on RNA splicing suggest that this variant may create or strengthen a splice site. This variant has not been reported in the literature in individuals affected with MAN2B1-related conditions. This variant is not present in population databases (gnomAD no frequency). This sequence change creates a premature translational stop signal (p.Trp388*) in the MAN2B1 gene. It is expected to result in an absent or disrupted protein product. Loss-of-function variants in MAN2B1 are known to be pathogenic (PMID: 9915946, 22161967).

Literature cited by the submitters: PubMed 9915946; PubMed 22161967.

NM_000528.4(MAN2B1):c.1164G>A (p.Trp388Ter)

Gene: MAN2B1 (mannosidase alpha class 2B member 1; minus strand). Cytogenetic location: 19p13.13.
Variant type: single nucleotide variant.
Coding change: c.1164G>A on transcript NM_000528.4 (MANE Select); coding-DNA position 1164, G replaced by A.
Protein change: p.Trp388Ter; replaces tryptophan 388 with a stop codon.
Molecular consequence: nonsense.
Genome position (GRCh38, 1-based): chr19:12,658,290, C>T on the plus strand (G>A on the coding strand, the complement: MAN2B1 is on the minus strand). VCF-style: chr19-12658290-C-T. GRCh37 (hg19) VCF-style: chr19-12769104-C-T.
Other names: c.1161G>A, p.Trp387Ter (NM_001173498.2); short protein forms W387*, W388*.
Identifiers: ClinVar variation 2894547 (VCV002894547.3), dbSNP rs2512503667, ClinGen allele CA404248136.
Genomic context (GRCh38, chr19:12,658,290, plus strand): 5'-GAAGTTGTAGCTGAGGCGCTCGTAGCGTTTGAGGGCCGGCCGACTGGAAAAGTAACCGGT[C>T]CAGAACTGGTGGGGGCCATCCGCGTAAGGGAAGAAGTCGTCATGTTTCACTGACCTACAG-3'